The following is an entry in ClinVar:

NM_001025603.2(RFX5):c.653G>A (p.Arg218Gln)

Gene: RFX5 (regulatory factor X5; minus strand). Cytogenetic location: 1q21.3.
Variant type: single nucleotide variant.
Coding change: c.653G>A on transcript NM_001025603.2 (MANE Select); coding-DNA position 653, G replaced by A.
Protein change: p.Arg218Gln; replaces arginine 218 with glutamine.
Molecular consequence: missense variant.
Genome position (GRCh38, 1-based): chr1:151,343,785, C>T on the plus strand (G>A on the coding strand, the complement: RFX5 is on the minus strand). VCF-style: chr1-151343785-C-T. GRCh37 (hg19) VCF-style: chr1-151316261-C-T.
Other names: c.653G>A, p.Arg218Gln (NM_000449.4, NM_001379412.1, NM_001379413.1 and 5 more transcripts); c.533G>A, p.Arg178Gln (NM_001379419.1, NM_001379420.1); short protein forms R218Q, R178Q.
Identifiers: ClinVar variation 1409208 (VCV001409208.7), dbSNP rs771537001, ClinGen allele CA1089783.

ClinVar aggregate classification (germline): Uncertain significance (1 of 4 stars; one submission).

Conditions:
MHC class II deficiency. Also called: BLS, TYPE II; Bare lymphocyte syndrome 2. Identifiers: Orphanet 572, MedGen C5447452, MONDO:0008855.

Allele frequency attached by ClinVar (database versions not stated): ExAC 0.00002; gnomAD exomes 0.00002 and 0.00001; TOPMed 0.00002; gnomAD 0.00001.

Submission:

Labcorp Genetics (formerly Invitae), Labcorp
Classification: Uncertain significance for MHC class II deficiency. Last evaluated: 2023-08-04. Review status: criteria provided, single submitter. Criteria: Invitae Variant Classification Sherloc (09022015). Collection method: clinical testing. Allele origin: germline.
Comment: In summary, the available evidence is currently insufficient to determine the role of this variant in disease. Therefore, it has been classified as a Variant of Uncertain Significance. An algorithm developed to predict the effect of missense changes on protein structure and function (PolyPhen-2) suggests that this variant is likely to be disruptive. ClinVar contains an entry for this variant (Variation ID: 1409208). This variant has not been reported in the literature in individuals affected with RFX5-related conditions. This variant is present in population databases (rs771537001, gnomAD 0.01%). This sequence change replaces arginine, which is basic and polar, with glutamine, which is neutral and polar, at codon 218 of the RFX5 protein (p.Arg218Gln).